The following is an entry in ClinVar:

NM_000079.4(CHRNA1):c.960C>T (p.His320=)

Gene: CHRNA1 (cholinergic receptor nicotinic alpha 1 subunit; minus strand). Cytogenetic location: 2q31.1.
Variant type: single nucleotide variant.
Coding change: c.960C>T on transcript NM_000079.4 (MANE Select); coding-DNA position 960, C replaced by T.
Protein change: p.His320=; no amino-acid change (histidine 320 retained).
Molecular consequence: synonymous variant.
Genome position (GRCh38, 1-based): chr2:174,749,988, G>A on the plus strand (C>T on the coding strand, the complement: CHRNA1 is on the minus strand). VCF-style: chr2-174749988-G-A. GRCh37 (hg19) VCF-style: chr2-175614716-G-A.
Other names: p.His320=; c.1035C>T, p.His345= (NM_001039523.3).
Identifiers: ClinVar variation 128735 (VCV000128735.21), dbSNP rs2229957, ClinGen allele CA152376.

ClinVar aggregate classification (germline): Benign. Review status: criteria provided, multiple submitters, no conflicts (2 of 4 stars). 9 submissions from 8 submitters: Benign (8). 1 of the submissions does not count toward it. Last evaluated 2026-02-03.

Conditions:
Congenital myasthenic syndrome (CMS). Also called: Congenital Myasthenic Syndromes. Identifiers: Orphanet 590, MedGen C0751882, MeSH D020294, MONDO:0018940.
Lethal multiple pterygium syndrome (LMPS). Identifiers: Orphanet 33108, MedGen C1854678, MONDO:0009668, OMIM 253290.

Allele frequency attached by ClinVar (database versions not stated): gnomAD exomes 0.07092 and 0.08081; ExAC 0.08575; gnomAD 0.08849 and 0.09169; TOPMed 0.09326; ESP Exome Variant Server 0.09734; 1000 Genomes Project 30x 0.12149; 1000 Genomes Project 0.12260.
gnomAD v4.1: 118,201 of 1,613,996 alleles (7.3%); highest among the groups gnomAD compares: South Asian, 20%; 5,798 homozygotes.

Submissions (9):

Labcorp Genetics (formerly Invitae), Labcorp
Classification: Benign for Lethal multiple pterygium syndrome. Last evaluated: 2026-02-03. Review status: criteria provided, single submitter. Criteria: Invitae Variant Classification Sherloc (09022015). Collection method: clinical testing. Allele origin: germline.

Blueprint Genetics
Classification: Benign. Last evaluated: 2024-11-26. Review status: criteria provided, single submitter. Criteria: ACMG Guidelines, 2015. Collection method: clinical testing. Allele origin: germline.

Illumina Laboratory Services, Illumina
Classification: Benign for Lethal multiple pterygium syndrome. Last evaluated: 2018-01-13. Review status: criteria provided, single submitter. Criteria: ICSL Variant Classification Criteria 13 December 2019. Collection method: clinical testing. Allele origin: germline.
Comment: This variant was observed in the ICSL laboratory as part of a predisposition screen in an ostensibly healthy population. It had not been previously curated by ICSL or reported in the Human Gene Mutation Database (HGMD: prior to June 1st, 2018), and was therefore a candidate for classification through an automated scoring system. Utilizing variant allele frequency, disease prevalence and penetrance estimates, and inheritance mode, an automated score was calculated to assess if this variant is too frequent to cause the disease. Based on the score and internal cut-off values, a variant classified as benign is not then subjected to further curation. The score for this variant resulted in a classification of benign for this disease.

Illumina Laboratory Services, Illumina
Classification: Benign for Congenital myasthenic syndrome. Last evaluated: 2018-01-13. Review status: criteria provided, single submitter. Criteria: ICSL Variant Classification Criteria 13 December 2019. Collection method: clinical testing. Allele origin: germline.
Comment: the same text as in the submission from Illumina Laboratory Services, Illumina above.

Mayo Clinic Laboratories, Mayo Clinic
Classification: Benign. Last evaluated: 2017-08-25. Review status: criteria provided, single submitter. Criteria: ACMG Guidelines, 2015. Collection method: clinical testing. Allele origin: germline. Observed: 56 variant alleles.

GeneDx
Classification: Benign. Last evaluated: 2016-03-24. Review status: criteria provided, single submitter. Criteria: GeneDx Variant Classification (06012015). Collection method: clinical testing. Allele origin: germline. Affected: yes.
Comment: This variant is considered likely benign or benign based on one or more of the following criteria: it is a conservative change, it occurs at a poorly conserved position in the protein, it is predicted to be benign by multiple in silico algorithms, and/or has population frequency not consistent with disease.

Breakthrough Genomics
Classification: Benign. Review status: criteria provided, single submitter. Criteria: ACMG Guidelines, 2015. Collection method: not provided. Allele origin: germline. Inheritance: Autosomal recessive inheritance. Affected: yes.

PreventionGenetics, part of Exact Sciences
Classification: Benign. Review status: criteria provided, single submitter. Criteria: ACMG Guidelines, 2015. Collection method: clinical testing. Allele origin: germline.

Genetic Services Laboratory, University of Chicago
Classification: Likely benign for AllHighlyPenetrant. Review status: no assertion criteria provided. Collection method: clinical testing. Allele origin: germline. Not counted in ClinVar's aggregate classification.
Comment: Likely benign based on allele frequency in 1000 Genomes Project or ESP global frequency and its presence in a patient with a rare or unrelated disease phenotype. NOT Sanger confirmed.